The following is an entry in ClinVar:

NM_000062.3(SERPING1):c.1391_1392del (p.Val464fs)

Gene: SERPING1 (serpin family G member 1; plus strand). Cytogenetic location: 11q12.1.
Variant type: Microsatellite.
Coding change: c.1391_1392del on transcript NM_000062.3 (MANE Select); coding-DNA positions 1391 to 1392, 2 bases deleted (TG; older notation c.1391_1392delTG).
Protein change: p.Val464fs; shifts the reading frame from valine 464.
Molecular consequence: frameshift variant.
Genome position (GRCh38, 1-based): chr11:57,614,469-57,614,470, TG deleted; deleting any 2 consecutive bases within chr11:57,614,467-57,614,470 gives the same sequence; the c. name uses the placement nearest the transcript's 3' end. VCF-style (leftmost placement, unchanged base first): chr11-57614466-CTG-C. GRCh37 (hg19) VCF-style: chr11-57381939-CTG-C.
Other names: c.1391_1392del, p.Val464fs (NM_001032295.2); c.1391_1392delTG (NM_000062.3); short protein forms V464fs.
Identifiers: ClinVar variation 3256143 (VCV003256143.2).

ClinVar aggregate classification (germline): Likely pathogenic (1 of 4 stars; one submission).

Conditions:
Hereditary angioedema type 1 (HAE1). Identifiers: Orphanet 100050, Orphanet 100051, Orphanet 91378, MedGen C2717906, MONDO:0015053, OMIM 106100.

Submission:

DNA-diagnostics Laboratory, Research Centre For Medical Genetics
Classification: Likely pathogenic for Hereditary angioedema type 1. Last evaluated: 2024-07-28. Review status: criteria provided, single submitter. Criteria: ACMG Guidelines, 2015. Collection method: research. Allele origin: germline. Inheritance: Autosomal dominant inheritance. Affected: yes. Observed: 1 heterozygote.
Comment: According to our observation and published information (Bors et al., 2013) , the c.1391_1392delTG variant in SERPING1 meets ACMG/ClinGen SVI guidance criteria to be classified as likely pathogenic: PVS1_Str, PS4_Mod, PP4_Mod, PM2_Sup

Literature cited by the submitters: PubMed 23265861.